The following is an entry in ClinVar:

NM_000051.4(ATM):c.7308-14T>G

Genes: ATM (ATM serine/threonine kinase; plus strand), C11orf65 (chromosome 11 open reading frame 65; minus strand). Cytogenetic location: 11q22.3.
Variant type: single nucleotide variant.
Coding change: c.7308-14T>G on transcript NM_000051.4 (MANE Select); 14 bases into the intron before coding-DNA position 7308, T replaced by G.
Molecular consequence: intron variant.
Genome position (GRCh38, 1-based): chr11:108,330,200, T>G. VCF-style: chr11-108330200-T-G. GRCh37 (hg19) VCF-style: chr11-108200927-T-G.
Other names: NM_000051.4:c.7308-14T>G; c.7308-14T>G (NM_001351834.2); c.641-21129A>C (NM_001330368.2); c.*38+5020A>C (NM_001351110.2).
Identifiers: ClinVar variation 3148828 (VCV003148828.2), dbSNP rs2547259897, ClinGen allele CA2582343067.

ClinVar aggregate classification (germline): Likely pathogenic. Review status: reviewed by expert panel (3 of 4 stars). 2 submissions from 2 submitters: Likely pathogenic (1). 1 of the submissions does not count toward it. Last evaluated 2024-11-26.

Conditions:
ATM-related cancer predisposition. Also called: ATM-related cancer susceptibility. Identifiers: MedGen CN377759, MONDO:0700270.
Familial cancer of breast. Also called: hereditary breast carcinoma; BREAST CANCER, FAMILIAL; Hereditary breast cancer. Identifiers: Orphanet 227535, MedGen C0346153, MONDO:0016419, OMIM 114480. Disease mechanism: loss of function.

Allele frequency attached by ClinVar (database versions not stated): gnomAD exomes below 0.00001.
gnomAD v4.1: 1 of 1,611,102 alleles (0.000062%); highest among the groups gnomAD compares: Non-Finnish European, 0.000085%; no homozygotes.

Submissions (2):

ClinGen Hereditary Breast, Ovarian and Pancreatic Cancer Variant Curation Expert Panel, ClinGen
Classification: Likely pathogenic for ATM-related cancer predisposition. Last evaluated: 2024-11-26. Review status: reviewed by expert panel. Criteria: ClinGen HBOP ACMG Specifications ATM V1.3.0. Collection method: curation. Allele origin: germline. Inheritance: Autosomal dominant inheritance.
Comment: The c.7308-14T>G variant in ATM is an intronic variant which is located in intron 49. This variant has been detected in at least one individual with Ataxia-Telangiectasia (PMID: 26896183, 30713859). The highest population minor allele frequency in gnomAD v2.1.1 is 0.000001316 in the European (non-Finnish) population, which is lower than the ClinGen HBOP threshold (≤.00001) for PM2_Supporting, meeting this criterion. The computational splicing predictor SpliceAI gives a score of 0.98 for acceptor gain and 0.79 for acceptor loss, predicting that the variant disrupts the acceptor splice site of intron 49 of ATM. In summary, this variant meets the criteria to be classified as likely pathogenic for autosomal dominant ATM-related cancer predisposition and autosomal recessive Ataxia-Telangiectasia based on the ACMG/AMP criteria applied as specified by the HBOP VCEP. (PM3_Strong, PM2_Supporting, PP3)

Myriad Genetics, Inc.
Classification: Likely pathogenic for Familial cancer of breast. Last evaluated: 2024-01-31. Review status: criteria provided, single submitter. Criteria: Myriad Autosomal Dominant, Autosomal Recessive and X-Linked Classification Criteria (2023). Collection method: clinical testing. Allele origin: unknown. Not counted in ClinVar's aggregate classification.
Comment: This variant is considered likely pathogenic. mRNA analysis has demonstrated abnormal mRNA splicing occurs [PMID: 30713859].

Literature cited by the submitters: PubMed 30713859 (cited by Myriad Genetics, Inc.).